The following is an entry in ClinVar:

NM_025137.4(SPG11):c.4260C>T (p.Ser1420=)

Genes: SPG11 (SPG11 vesicle trafficking associated, spatacsin; minus strand), LOC130056973 (ATAC-STARR-seq lymphoblastoid active region 9341; plus strand). Cytogenetic location: 15q21.1.
Variant type: single nucleotide variant.
Coding change: c.4260C>T on transcript NM_025137.4 (MANE Select); coding-DNA position 4260, C replaced by T.
Protein change: p.Ser1420=; no amino-acid change (serine 1420 retained).
Molecular consequence: synonymous variant.
Genome position (GRCh38, 1-based): chr15:44,596,257, G>A on the plus strand (C>T on the coding strand, the complement: SPG11 is on the minus strand). VCF-style: chr15-44596257-G-A. GRCh37 (hg19) VCF-style: chr15-44888455-G-A.
Other names: c.4260C>T, p.Ser1420= (NM_001160227.2).
Identifiers: ClinVar variation 695713 (VCV000695713.14), dbSNP rs150130615, ClinGen allele CA7534721.

ClinVar aggregate classification (germline): Likely benign. Review status: criteria provided, multiple submitters, no conflicts (2 of 4 stars). 2 submissions from 2 submitters: Likely benign (2). Last evaluated 2026-01-28.

Conditions:
SPG11-related disorder. Also called: SPG11-related condition.
Hereditary spastic paraplegia 11. Also called: Nakamura Osame syndrome; Autosomal recessive hereditary spastic paraplegia, mental impairment, and thin corpus callosum; Spastic paraplegia, mental retardation and thin corpus callosum; Spastic Paraplegia 11; SPASTIC PARAPLEGIA, AUTOSOMAL RECESSIVE, COMPLICATED, WITH THIN CORPUS CALLOSUM; SPASTIC PARAPLEGIA, AUTOSOMAL RECESSIVE, WITH MENTAL IMPAIRMENT AND THIN CORPUS CALLOSUM. Identifiers: Orphanet 2822, MedGen C1858479, MONDO:0011445, OMIM 604360.

Allele frequency attached by ClinVar (database versions not stated): TOPMed 0.00003; gnomAD 0.00007 and 0.00008; ESP Exome Variant Server 0.00023.

Submissions (2):

Labcorp Genetics (formerly Invitae), Labcorp
Classification: Likely benign for Hereditary spastic paraplegia 11. Last evaluated: 2026-01-28. Review status: criteria provided, single submitter. Criteria: Invitae Variant Classification Sherloc (09022015). Collection method: clinical testing. Allele origin: germline.

PreventionGenetics, part of Exact Sciences
Classification: Likely benign for SPG11-related condition. Last evaluated: 2025-09-05. Review status: criteria provided, single submitter. Criteria: ACMG Guidelines, 2015. Collection method: clinical testing. Allele origin: germline.
Comment: This variant is classified as likely benign based on ACMG/AMP sequence variant interpretation guidelines (Richards et al. 2015 PMID: 25741868, with internal and published modifications).